The following is an entry in ClinVar:

NM_152641.4(ARID2):c.706-9T>G

Gene: ARID2 (AT-rich interaction domain 2; plus strand). Cytogenetic location: 12q12.
Variant type: single nucleotide variant.
Coding change: c.706-9T>G on transcript NM_152641.4 (MANE Select); 9 bases into the intron before coding-DNA position 706, T replaced by G.
Molecular consequence: intron variant.
Genome position (GRCh38, 1-based): chr12:45,836,580, T>G. VCF-style: chr12-45836580-T-G. GRCh37 (hg19) VCF-style: chr12-46230363-T-G.
Other names: c.706-9T>G (NM_001347839.2).
Identifiers: ClinVar variation 449929 (VCV000449929.2), dbSNP rs1555152193, ClinGen allele CA658658139.

ClinVar aggregate classification (germline): Likely pathogenic (1 of 4 stars; one submission).

Submission:

GeneDx
Classification: Likely pathogenic. Last evaluated: 2017-04-26. Review status: criteria provided, single submitter. Criteria: GeneDx Variant Classification (06012015). Collection method: clinical testing. Allele origin: germline. Affected: yes.
Comment: The c.706-9T>G variant in the ARID2 gene has not been reported previously as a pathogenic variant nor as a benignvariant, to our knowledge. This variant reduces the quality of the splice acceptor site in intron 6, and is expected tocause abnormal gene splicing. The c.706-9T>G variant is not observed in large population cohorts (Lek et al., 2016;1000 Genomes Consortium et al., 2015; Exome Variant Server). We interpret c.706-9T>G as a likely pathogenicvariant.